The following is an entry in ClinVar:

NM_000536.4(RAG2):c.1442A>G (p.His481Arg)

Gene: RAG2 (recombination activating 2; minus strand). Cytogenetic location: 11p12.
Variant type: single nucleotide variant.
Coding change: c.1442A>G on transcript NM_000536.4 (MANE Select); coding-DNA position 1442, A replaced by G.
Protein change: p.His481Arg; replaces histidine 481 with arginine.
Molecular consequence: missense variant.
Genome position (GRCh38, 1-based): chr11:36,592,727, T>C on the plus strand (A>G on the coding strand, the complement: RAG2 is on the minus strand). VCF-style: chr11-36592727-T-C. GRCh37 (hg19) VCF-style: chr11-36614277-T-C.
Other names: c.1442A>G, p.His481Arg (NM_001243785.2, NM_001243786.2); short protein forms H481R.
Identifiers: ClinVar variation 2938106 (VCV002938106.3), dbSNP rs1564995465, ClinGen allele CA380140349.

ClinVar aggregate classification (germline): Pathogenic (1 of 4 stars; one submission).

Conditions:
Severe combined immunodeficiency, autosomal recessive, T cell-negative, B cell-negative, NK cell-positive. Also called: SCID, AR, T-cell negative, B-cell negative, NK cell-positive; SCID, T CELL-NEGATIVE, B CELL-NEGATIVE, NK CELL-POSITIVE; Severe combined immunodeficiency due to complete RAG1/2 deficiency. Identifiers: Orphanet 331206, MedGen C1832322, MONDO:0011086, OMIM 601457.
Combined immunodeficiency with skin granulomas. Identifiers: Orphanet 157949, MedGen C2673536, MONDO:0009306, OMIM 233650.

Allele frequency attached by ClinVar (database versions not stated): gnomAD exomes below 0.00001.
gnomAD v4.1: 1 of 1,610,044 alleles (0.000062%); highest among the groups gnomAD compares: South Asian, 0.0011%; no homozygotes.

Submission:

Labcorp Genetics (formerly Invitae), Labcorp
Classification: Pathogenic for Combined immunodeficiency with skin granulomas; Severe combined immunodeficiency, autosomal recessive, T cell-negative, B cell-negative, NK cell-positive. Last evaluated: 2023-07-31. Review status: criteria provided, single submitter. Criteria: Invitae Variant Classification Sherloc (09022015). Collection method: clinical testing. Allele origin: germline.
Comment: For these reasons, this variant has been classified as Pathogenic. This variant disrupts the p.His481 amino acid residue in RAG2. Other variant(s) that disrupt this residue have been observed in individuals with RAG2-related conditions (PMID: 12200379, 32445296, 33954879), which suggests that this may be a clinically significant amino acid residue. Advanced modeling of protein sequence and biophysical properties (such as structural, functional, and spatial information, amino acid conservation, physicochemical variation, residue mobility, and thermodynamic stability) performed at Invitae indicates that this missense variant is expected to disrupt RAG2 protein function. This missense change has been observed in individual(s) with severe combined immunodeficiency (PMID: 32445296). This variant is not present in population databases (gnomAD no frequency). This sequence change replaces histidine, which is basic and polar, with arginine, which is basic and polar, at codon 481 of the RAG2 protein (p.His481Arg).

Literature cited by the submitters: PubMed 12200379; PubMed 32445296; PubMed 33954879.